The following is an entry in ClinVar:

ClinVar aggregate classification (germline): Likely benign. Review status: criteria provided, multiple submitters, no conflicts (2 of 4 stars). 2 submissions from 2 submitters: Likely benign (2). Last evaluated 2018-01-12.

Conditions:
Charcot-Marie-Tooth disease type 4F. Also called: Charcot-Marie-Tooth disease, demyelinating, type 4F. Identifiers: Orphanet 99952, MedGen C3540453, MONDO:0013959, OMIM 614895.

Allele frequency attached by ClinVar (database versions not stated): gnomAD 0.00141 and 0.00143; 1000 Genomes Project 0.00160; 1000 Genomes Project 30x 0.00187; TOPMed 0.00283.
gnomAD v4.1: 1,234 of 1,245,240 alleles (0.099%); highest among the groups gnomAD compares: Admixed American, 2.3%; 16 homozygotes.

Submissions (2):

Illumina Laboratory Services, Illumina
Classification: Likely benign for Charcot-Marie-Tooth disease type 4F. Last evaluated: 2018-01-12. Review status: criteria provided, single submitter. Criteria: ICSL Variant Classification Criteria 13 December 2019. Collection method: clinical testing. Allele origin: germline.
Comment: This variant was observed in the ICSL laboratory as part of a predisposition screen in an ostensibly healthy population. It had not been previously curated by ICSL or reported in the Human Gene Mutation Database (HGMD: prior to June 1st, 2018), and was therefore a candidate for classification through an automated scoring system. Utilizing variant allele frequency, disease prevalence and penetrance estimates, and inheritance mode, an automated score was calculated to assess if this variant is too frequent to cause the disease. Based on the score and internal cut-off values, a variant classified as likely benign is not then subjected to further curation. The score for this variant resulted in a classification of likely benign for this disease.

Breakthrough Genomics
Classification: Likely benign. Review status: criteria provided, single submitter. Criteria: ACMG Guidelines, 2015. Collection method: not provided. Allele origin: germline. Inheritance: Autosomal recessive inheritance. Affected: yes.

NM_181882.3(PRX):c.*144C>T

Gene: PRX (periaxin; minus strand). Cytogenetic location: 19q13.2.
Variant type: single nucleotide variant.
Coding change: c.*144C>T on transcript NM_181882.3 (MANE Select); 144 bases downstream of the stop codon, C replaced by T.
Molecular consequence: 3 prime UTR variant.
Genome position (GRCh38, 1-based): chr19:40,393,822, G>A on the plus strand (C>T on the coding strand, the complement: PRX is on the minus strand). VCF-style: chr19-40393822-G-A. GRCh37 (hg19) VCF-style: chr19-40899729-G-A.
Other names: c.*4735C>T (NM_020956.2).
Identifiers: ClinVar variation 329244 (VCV000329244.6), dbSNP rs189487790, ClinGen allele CA10642807.